The following is an entry in ClinVar:

NM_000784.4(CYP27A1):c.447-3C>A

Gene: CYP27A1 (cytochrome P450 family 27 subfamily A member 1; plus strand). Cytogenetic location: 2q35.
Variant type: single nucleotide variant.
Coding change: c.447-3C>A on transcript NM_000784.4 (MANE Select); 3 bases into the intron before coding-DNA position 447, C replaced by A.
Molecular consequence: intron variant.
Genome position (GRCh38, 1-based): chr2:218,812,219, C>A. VCF-style: chr2-218812219-C-A. GRCh37 (hg19) VCF-style: chr2-219676942-C-A.
Identifiers: ClinVar variation 1921003 (VCV001921003.5), dbSNP rs770217459, ClinGen allele CA2112615.

ClinVar aggregate classification (germline): Uncertain significance (1 of 4 stars; one submission).

Conditions:
Cholestanol storage disease (CTX). Also called: CEREBRAL CHOLESTERINOSIS; CTX: Cerebrotendinous xanthomatosis; Cerebrotendinous Xanthomatosis. Identifiers: Orphanet 909, MedGen C0238052, MONDO:0008948, OMIM 213700.

Allele frequency attached by ClinVar (database versions not stated): TOPMed below 0.00001; gnomAD 0.00001.
gnomAD v4.1: 4 of 1,613,416 alleles (0.00025%); highest among the groups gnomAD compares: East Asian, 0.0022%; no homozygotes.

Submission:

Labcorp Genetics (formerly Invitae), Labcorp
Classification: Uncertain significance for Cholestanol storage disease. Last evaluated: 2022-05-19. Review status: criteria provided, single submitter. Criteria: Invitae Variant Classification Sherloc (09022015). Collection method: clinical testing. Allele origin: germline.
Comment: This sequence change falls in intron 2 of the CYP27A1 gene. It does not directly change the encoded amino acid sequence of the CYP27A1 protein. It affects a nucleotide within the consensus splice site. This variant is present in population databases (rs770217459, gnomAD 0.006%). This variant has not been reported in the literature in individuals affected with CYP27A1-related conditions. Variants that disrupt the consensus splice site are a relatively common cause of aberrant splicing (PMID: 17576681, 9536098). Algorithms developed to predict the effect of sequence changes on RNA splicing suggest that this variant may create or strengthen a splice site. In summary, the available evidence is currently insufficient to determine the role of this variant in disease. Therefore, it has been classified as a Variant of Uncertain Significance.

Literature cited by the submitters: PubMed 17576681; PubMed 9536098.